The following is an entry in ClinVar:

ClinVar aggregate classification (germline): Uncertain significance (1 of 4 stars; one submission).

Conditions:
Familial cold autoinflammatory syndrome 3 (FCAS3). Also called: FAMILIAL ATYPICAL COLD URTICARIA; ANTIBODY DEFICIENCY AND IMMUNE DYSREGULATION, PLCG2-ASSOCIATED. Identifiers: Orphanet 300359, MedGen C3280914, MONDO:0013766, OMIM 614468.

Submission:

Labcorp Genetics (formerly Invitae), Labcorp
Classification: Uncertain significance for Familial cold autoinflammatory syndrome 3. Last evaluated: 2025-09-22. Review status: criteria provided, single submitter. Criteria: Invitae Variant Classification Sherloc (09022015). Collection method: clinical testing. Allele origin: germline.
Comment: This sequence change falls in intron 4 of the PLCG2 gene. It does not directly change the encoded amino acid sequence of the PLCG2 protein. It affects a nucleotide within the consensus splice site. This variant is not present in population databases (gnomAD no frequency). This variant has not been reported in the literature in individuals affected with PLCG2-related conditions. ClinVar contains an entry for this variant (Variation ID: 540123). Variants that disrupt the consensus splice site are a relatively common cause of aberrant splicing (PMID: 17576681, 9536098). Algorithms developed to predict the effect of sequence changes on RNA splicing suggest that this variant is not likely to affect RNA splicing. In summary, the available evidence is currently insufficient to determine the role of this variant in disease. Therefore, it has been classified as a Variant of Uncertain Significance.

Literature cited by the submitters: PubMed 17576681; PubMed 9536098.

NM_002661.5(PLCG2):c.431+5_431+14del

Gene: PLCG2 (phospholipase C gamma 2; plus strand). Cytogenetic location: 16q23.3.
Variant type: Deletion.
Coding change: c.431+5_431+14del on transcript NM_002661.5 (MANE Select); bases 5 to 14 of the intron after coding-DNA position 431, 10 bases deleted (TTGGCTTTTG; older notation c.431+5_431+14delTTGGCTTTTG).
Molecular consequence: intron variant.
Genome position (GRCh38, 1-based): chr16:81,858,361-81,858,370, TTGGCTTTTG deleted; deleting any 10 consecutive bases within chr16:81,858,360-81,858,370 gives the same sequence; the c. name uses the placement nearest the transcript's 3' end. VCF-style (leftmost placement, unchanged base first): chr16-81858359-AGTTGGCTTTT-A. GRCh37 (hg19) VCF-style: chr16-81891964-AGTTGGCTTTT-A.
Other names: c.431+5_431+14delTTGGCTTTTG (NM_002661.4).
Identifiers: ClinVar variation 540123 (VCV000540123.7), dbSNP rs1555513131, ClinGen allele CA658798640.